The following is an entry in ClinVar:

ClinVar aggregate classification (germline): Uncertain significance. Review status: criteria provided, multiple submitters, no conflicts (2 of 4 stars). 2 submissions from 2 submitters: Uncertain significance (2). Last evaluated 2025-11-19.

Conditions:
Hereditary cancer-predisposing syndrome. Also called: Hereditary neoplastic syndrome; Neoplastic Syndromes, Hereditary; Tumor predisposition; Hereditary Cancer Syndrome. Identifiers: Orphanet 140162, MedGen C0027672, MeSH D009386, MONDO:0015356.
Cardiovascular phenotype. Identifiers: MedGen CN230736.
Neurofibromatosis, type 1 (NF1). Also called: VON RECKLINGHAUSEN DISEASE; NEUROFIBROMATOSIS, TYPE I, SOMATIC; Peripheral type neurofibromatosis; Neurofibromatosis, type I. Identifiers: Orphanet 636, MedGen C0027831, MONDO:0018975, OMIM 162200. Disease mechanism: loss of function.

Submissions (2):

Ambry Genetics
Classification: Uncertain significance for Cardiovascular phenotype; Hereditary cancer-predisposing syndrome. Last evaluated: 2025-11-19. Review status: criteria provided, single submitter. Criteria: Ambry Variant Classification Scheme 2023. Collection method: clinical testing. Allele origin: germline.
Comment: The c.3363_3365delAGA variant (also known as p.E1121del) is located in coding exon 26 of the NF1 gene. This variant results from an in-frame AGA deletion at nucleotide positions 3363 to 3365. This results in the in-frame deletion of a glutamic acid at codon 1121. This amino acid position is highly conserved in available vertebrate species. In addition, this variant is predicted to be deleterious by in silico analysis (Choi Y et al. PLoS ONE. 2012; 7(10):e46688). Based on the available evidence, the clinical significance of this variant remains unclear.

Labcorp Genetics (formerly Invitae), Labcorp
Classification: Uncertain significance for Neurofibromatosis, type 1. Last evaluated: 2022-12-09. Review status: criteria provided, single submitter. Criteria: Invitae Variant Classification Sherloc (09022015). Collection method: clinical testing. Allele origin: germline.
Comment: This variant is not present in population databases (gnomAD no frequency). This variant has not been reported in the literature in individuals affected with NF1-related conditions. ClinVar contains an entry for this variant (Variation ID: 1043508). Experimental studies and prediction algorithms are not available or were not evaluated, and the functional significance of this variant is currently unknown. Algorithms developed to predict the effect of sequence changes on RNA splicing suggest that this variant may disrupt the consensus splice site. This variant, c.3363_3365del, results in the deletion of 1 amino acid(s) of the NF1 protein (p.Glu1121del), but otherwise preserves the integrity of the reading frame. In summary, the available evidence is currently insufficient to determine the role of this variant in disease. Therefore, it has been classified as a Variant of Uncertain Significance.

NM_001042492.3(NF1):c.3363_3365del (p.Glu1121del)

Gene: NF1 (neurofibromin 1; plus strand). Cytogenetic location: 17q11.2.
Variant type: Deletion.
Coding change: c.3363_3365del on transcript NM_001042492.3 (MANE Select); coding-DNA positions 3363 to 3365, 3 bases deleted (AGA; older notation c.3363_3365delAGA).
Protein change: p.Glu1121del; deletes glutamic acid 1121.
Molecular consequence: inframe deletion. On other transcripts: inframe indel (1).
Genome position (GRCh38, 1-based): chr17:31,232,748-31,232,750, AGA deleted; deleting any 3 consecutive bases within chr17:31,232,746-31,232,750 gives the same sequence; the c. name uses the placement nearest the transcript's 3' end. VCF-style (leftmost placement, unchanged base first): chr17-31232745-TGAA-T. GRCh37 (hg19) VCF-style: chr17-29559763-TGAA-T.
Other names: c.3363_3365delAGA (NM_000267.3); c.3363_3365delAGA, p.Glu1121del (NM_000267.4); short protein forms E1121del.
Identifiers: ClinVar variation 1043508 (VCV001043508.6), dbSNP rs2067135101, ClinGen allele CA2255569711.